The following is an entry in ClinVar:

ClinVar aggregate classification (germline): Benign/Likely benign. Review status: criteria provided, multiple submitters, no conflicts (2 of 4 stars). 3 submissions from 3 submitters: Benign (1); Likely benign (2). Last evaluated 2024-08-27.

Conditions:
Hereditary cancer-predisposing syndrome. Also called: Tumor predisposition; Neoplastic Syndromes, Hereditary; Hereditary Cancer Syndrome; Hereditary neoplastic syndrome. Identifiers: Orphanet 140162, MedGen C0027672, MeSH D009386, MONDO:0015356.
Familial cancer of breast. Also called: Hereditary breast cancer; BREAST CANCER, FAMILIAL; hereditary breast carcinoma. Identifiers: Orphanet 227535, MedGen C0346153, MONDO:0016419, OMIM 114480. Disease mechanism: loss of function.
Ataxia-telangiectasia syndrome (AT). Also called: ATAXIA-TELANGIECTASIA, COMPLEMENTATION GROUP A; ATAXIA-TELANGIECTASIA, FRESNO VARIANT; Ataxia-telangiectasia; Ataxia-telangiectasia, complementation group D; AT, COMPLEMENTATION GROUP C; Ataxia-telangiectasia, complementation group E. Identifiers: Orphanet 100, MedGen C0004135, MONDO:0008840, OMIM 208900.

Submissions (3):

Labcorp Genetics (formerly Invitae), Labcorp
Classification: Likely benign for Ataxia-telangiectasia syndrome. Last evaluated: 2024-08-27. Review status: criteria provided, single submitter. Criteria: Invitae Variant Classification Sherloc (09022015). Collection method: clinical testing. Allele origin: germline.

Myriad Genetics, Inc.
Classification: Benign for Familial cancer of breast. Last evaluated: 2024-06-20. Review status: criteria provided, single submitter. Criteria: Myriad Autosomal Dominant, Autosomal Recessive and X-Linked Classification Criteria (2023). Collection method: clinical testing. Allele origin: unknown.
Comment: This variant is considered benign. This variant is a silent/synonymous amino acid change and it is not expected to impact splicing.

Ambry Genetics
Classification: Likely benign for Hereditary cancer-predisposing syndrome. Last evaluated: 2019-12-13. Review status: criteria provided, single submitter. Criteria: Ambry Variant Classification Scheme 2023. Collection method: clinical testing. Allele origin: germline.

NM_000051.4(ATM):c.8739T>C (p.Asp2913=)

Genes: ATM (ATM serine/threonine kinase; plus strand), C11orf65 (chromosome 11 open reading frame 65; minus strand). Cytogenetic location: 11q22.3.
Variant type: single nucleotide variant.
Coding change: c.8739T>C on transcript NM_000051.4 (MANE Select); coding-DNA position 8739, T replaced by C.
Protein change: p.Asp2913=; no amino-acid change (aspartic acid 2913 retained).
Molecular consequence: synonymous variant. On other transcripts: intron variant (2).
Genome position (GRCh38, 1-based): chr11:108,353,833, T>C. VCF-style: chr11-108353833-T-C. GRCh37 (hg19) VCF-style: chr11-108224560-T-C.
Other names: c.8739T>C, p.Asp2913= (NM_001351834.2); c.640+32087A>G (NM_001330368.2); c.695-18541A>G (NM_001351110.2).
Identifiers: ClinVar variation 822695 (VCV000822695.13), dbSNP rs764778912, ClinGen allele CA476673899.